The following is an entry in ClinVar:

NM_001961.4(EEF2):c.478A>G (p.Met160Val)

Gene: EEF2 (eukaryotic translation elongation factor 2; minus strand). Cytogenetic location: 19p13.3.
Variant type: single nucleotide variant.
Coding change: c.478A>G on transcript NM_001961.4 (MANE Select); coding-DNA position 478, A replaced by G.
Protein change: p.Met160Val; replaces methionine 160 with valine.
Molecular consequence: missense variant.
Genome position (GRCh38, 1-based): chr19:3,982,941, T>C on the plus strand (A>G on the coding strand, the complement: EEF2 is on the minus strand). VCF-style: chr19-3982941-T-C. GRCh37 (hg19) VCF-style: chr19-3982939-T-C.
Other names: short protein forms M160V.
Identifiers: ClinVar variation 2020177 (VCV002020177.4), dbSNP rs751940798, ClinGen allele CA403394817.

ClinVar aggregate classification (germline): Uncertain significance (1 of 4 stars; one submission).

Submission:

Labcorp Genetics (formerly Invitae), Labcorp
Classification: Uncertain significance. Last evaluated: 2022-08-01. Review status: criteria provided, single submitter. Criteria: Invitae Variant Classification Sherloc (09022015). Collection method: clinical testing. Allele origin: germline.
Comment: In summary, the available evidence is currently insufficient to determine the role of this variant in disease. Therefore, it has been classified as a Variant of Uncertain Significance. Algorithms developed to predict the effect of missense changes on protein structure and function are either unavailable or do not agree on the potential impact of this missense change (SIFT: "Tolerated"; PolyPhen-2: "Probably Damaging"; Align-GVGD: "Class C0"). This variant has not been reported in the literature in individuals affected with EEF2-related conditions. This variant is not present in population databases (gnomAD no frequency). This sequence change replaces methionine, which is neutral and non-polar, with valine, which is neutral and non-polar, at codon 160 of the EEF2 protein (p.Met160Val).